The following is an entry in ClinVar:

NM_001379159.1(CSF2RA):c.*39-2557C>T

Gene: CSF2RA (colony stimulating factor 2 receptor subunit alpha; plus strand). Cytogenetic location: Xp22.33.
Variant type: single nucleotide variant.
Coding change: c.*39-2557C>T on transcript NM_001379159.1; 2557 bases into the intron before 39 bases downstream of the stop codon, C replaced by T.
Molecular consequence: intron variant. On other transcripts: synonymous variant (1), missense variant (2).
Genome position (GRCh38, 1-based): chrX:1,322,471, C>T. VCF-style: chrX-1322471-C-T. GRCh37 (hg19) VCF-style: chrX-1441364-C-T.
Other names: c.1128C>T, p.Leu376= (NM_001379161.1); c.1132C>T, p.Leu378Phe (NM_001379164.1, NM_001379165.1); c.1126-2557C>T (NM_001379163.1, NM_001379162.1); short protein forms L378F.
Identifiers: ClinVar variation 2659858 (VCV002659858.22), dbSNP rs1457779894, ClinGen allele CA640146286.

ClinVar aggregate classification (germline): Likely benign (1 of 4 stars; one submission).

Allele frequency attached by ClinVar (database versions not stated): gnomAD 0.00007.
gnomAD v4.1: 9 of 132,254 alleles (0.0068%); highest among the groups gnomAD compares: Non-Finnish European, 0.0094%; no homozygotes.

Submission:

CeGaT Center for Human Genetics Tuebingen
Classification: Likely benign. Last evaluated: 2022-12-01. Review status: criteria provided, single submitter. Criteria: CeGaT Center For Human Genetics Tuebingen Variant Classification Criteria Version 2. Collection method: clinical testing. Allele origin: germline. Affected: yes. Observed: 1 variant allele.
Comment: CSF2RA: BS2